The following is an entry in ClinVar:

ClinVar aggregate classification (germline): Conflicting classifications of pathogenicity. Review status: criteria provided, conflicting classifications (1 of 4 stars). 6 submissions from 6 submitters: Uncertain significance (1); Likely benign (5). Last evaluated 2025-12-29.

Conditions:
Arrhythmogenic right ventricular cardiomyopathy (ARVD). Also called: Arrhythmogenic cardiomyopathy; Arrhythmogenic Right Ventricular Cardiomyopathy (ARVC); Cardiomyopathy, ARVC; Arrhythmogenic right ventricular dysplasia. Identifiers: Orphanet 247, MedGen C0349788, MeSH D019571, MONDO:0016587. Disease mechanism: loss of function. Inheritance: Various modes of inheritance.
Cardiovascular phenotype. Identifiers: MedGen CN230736.
Cardiomyopathy (CMYO). Also called: Cardiomyopathies. Identifiers: Orphanet 167848, MedGen C0878544, MONDO:0004994, HP:0001638. Inheritance: Various modes of inheritance.
Arrhythmogenic right ventricular dysplasia 9 (ARVD9). Also called: Arrhythmogenic Right Ventricular Dysplasia/Cardiomyopathy 9; ARRHYTHMOGENIC RIGHT VENTRICULAR DYSPLASIA, FAMILIAL, 9. Identifiers: MedGen C1836906, MONDO:0012180, OMIM 609040.

Allele frequency attached by ClinVar (database versions not stated): gnomAD 0.00001 and 0.00002; gnomAD exomes 0.00002 and 0.00004; TOPMed 0.00003; ExAC 0.00004; 1000 Genomes Project 30x 0.00016; 1000 Genomes Project 0.00020.
gnomAD v4.1: 39 of 1,613,934 alleles (0.0024%); highest among the groups gnomAD compares: South Asian, 0.0033%; no homozygotes.

Submissions (6):

Labcorp Genetics (formerly Invitae), Labcorp
Classification: Likely benign for Arrhythmogenic right ventricular dysplasia 9. Last evaluated: 2025-12-29. Review status: criteria provided, single submitter. Criteria: Invitae Variant Classification Sherloc (09022015). Collection method: clinical testing. Allele origin: germline.

Blueprint Genetics
Classification: Likely benign. Last evaluated: 2024-04-17. Review status: criteria provided, single submitter. Criteria: ACMG Guidelines, 2015. Collection method: clinical testing. Allele origin: germline.

All of Us Research Program, National Institutes of Health
Classification: Likely benign for Arrhythmogenic right ventricular cardiomyopathy. Last evaluated: 2023-12-13. Review status: criteria provided, single submitter. Criteria: ACMG Guidelines, 2015. Collection method: clinical testing. Allele origin: germline. Inheritance: Autosomal dominant inheritance. Observed: 2 variant alleles, 2 heterozygotes.
Comment: This study involves interpretation of variants in research participants for the purpose of population health screening. Participant phenotype was not available at the time of variant classification. Additional details can be found in publication PMID: 35346344, PMCID: PMC8962531

Ambry Genetics
Classification: Likely benign for Cardiovascular phenotype. Last evaluated: 2019-10-11. Review status: criteria provided, single submitter. Criteria: Ambry Variant Classification Scheme 2023. Collection method: clinical testing. Allele origin: germline.

Color Diagnostics, LLC DBA Color Health
Classification: Likely benign for Cardiomyopathy. Last evaluated: 2018-10-30. Review status: criteria provided, single submitter. Criteria: ACMG Guidelines, 2015. Collection method: clinical testing. Allele origin: germline.

Illumina Laboratory Services, Illumina
Classification: Uncertain significance for Arrhythmogenic right ventricular dysplasia 9. Last evaluated: 2018-01-12. Review status: criteria provided, single submitter. Criteria: ICSL Variant Classification Criteria 13 December 2019. Collection method: clinical testing. Allele origin: germline.

NM_001005242.3(PKP2):c.837C>T (p.Pro279=)

Gene: PKP2 (plakophilin 2; minus strand). Cytogenetic location: 12p11.21.
Variant type: single nucleotide variant.
Coding change: c.837C>T on transcript NM_001005242.3 (MANE Select); coding-DNA position 837, C replaced by T.
Protein change: p.Pro279=; no amino-acid change (proline 279 retained).
Molecular consequence: synonymous variant.
Genome position (GRCh38, 1-based): chr12:32,878,043, G>A on the plus strand (C>T on the coding strand, the complement: PKP2 is on the minus strand). VCF-style: chr12-32878043-G-A. GRCh37 (hg19) VCF-style: chr12-33030977-G-A.
Other names: c.837C>T, p.Pro279= (NM_004572.4).
Identifiers: ClinVar variation 308513 (VCV000308513.19), dbSNP rs572938229, ClinGen allele CA039103.